The following is an entry in ClinVar:

NM_004343.4(CALR):c.703-3del

Genes: CALR (calreticulin; plus strand), MIR6515 (microRNA 6515; plus strand), LOC126862861 (MED14-independent group 3 enhancer GRCh37_chr19:13050707-13051906; plus strand). Cytogenetic location: 19p13.13.
Variant type: Deletion.
Coding change: c.703-3del on transcript NM_004343.4 (MANE Select); 3 bases into the intron before coding-DNA position 703, one base deleted (C; older notation c.703-3delC).
Molecular consequence: intron variant. On other transcripts: non-coding transcript variant (1).
Genome position (GRCh38, 1-based): chr19:12,940,538, C deleted; the last of 6 consecutive C bases (chr19:12,940,533-12,940,538); deleting any one gives the same sequence. VCF-style (leftmost placement, unchanged base first): chr19-12940532-AC-A. GRCh37 (hg19) VCF-style: chr19-13051346-AC-A.
Identifiers: ClinVar variation 3036651 (VCV003036651.2), dbSNP rs764010401, ClinGen allele CA9235867.

ClinVar aggregate classification (germline): Likely benign (0 of 4 stars; one submission).

Conditions:
CALR-related disorder. Also called: CALR-related condition.

Submission:

PreventionGenetics, part of Exact Sciences
Classification: Likely benign for CALR-related condition. Last evaluated: 2022-04-25. Review status: no assertion criteria provided. Collection method: clinical testing. Allele origin: germline.
Comment: This variant is classified as likely benign based on ACMG/AMP sequence variant interpretation guidelines (Richards et al. 2015 PMID: 25741868, with internal and published modifications).